The following is an entry in ClinVar:

ClinVar aggregate classification (germline): Uncertain significance (1 of 4 stars; one submission).

Allele frequency attached by ClinVar (database versions not stated): TOPMed 0.00002.

Submission:

Labcorp Genetics (formerly Invitae), Labcorp
Classification: Uncertain significance. Last evaluated: 2025-10-23. Review status: criteria provided, single submitter. Criteria: Invitae Variant Classification Sherloc (09022015). Collection method: clinical testing. Allele origin: germline.
Comment: This sequence change falls in intron 6 of the IRF9 gene. It does not directly change the encoded amino acid sequence of the IRF9 protein. It affects a nucleotide within the consensus splice site. This variant is present in population databases (no rsID available, gnomAD 0.004%). This variant has not been reported in the literature in individuals affected with IRF9-related conditions. ClinVar contains an entry for this variant (Variation ID: 3014157). Variants that disrupt the consensus splice site are a relatively common cause of aberrant splicing (PMID: 17576681, 9536098). Algorithms developed to predict the effect of sequence changes on RNA splicing suggest that this variant is not likely to affect RNA splicing. In summary, the available evidence is currently insufficient to determine the role of this variant in disease. Therefore, it has been classified as a Variant of Uncertain Significance.

Literature cited by the submitters: PubMed 17576681; PubMed 9536098.

NM_006084.5(IRF9):c.649+5G>A

Gene: IRF9 (interferon regulatory factor 9; plus strand). Cytogenetic location: 14q12.
Variant type: single nucleotide variant.
Coding change: c.649+5G>A on transcript NM_006084.5 (MANE Select); 5 bases into the intron after coding-DNA position 649, G replaced by A.
Molecular consequence: intron variant.
Genome position (GRCh38, 1-based): chr14:24,164,139, G>A. VCF-style: chr14-24164139-G-A. GRCh37 (hg19) VCF-style: chr14-24633348-G-A.
Other names: c.649+5G>A (NM_001385400.1, NM_001385401.1, NM_001385402.1).
Identifiers: ClinVar variation 3014157 (VCV003014157.3), dbSNP rs373071477, ClinGen allele CA257865773.